The following is an entry in ClinVar:

ClinVar aggregate classification (germline): Uncertain significance (1 of 4 stars; one submission).

Submission:

GeneDx
Classification: Uncertain significance. Last evaluated: 2023-03-28. Review status: criteria provided, single submitter. Criteria: GeneDx Variant Classification Process June 2021. Collection method: clinical testing. Allele origin: germline. Affected: yes.
Comment: Not observed at significant frequency in large population cohorts (gnomAD); In-frame deletion of 1 amino acid in a non-repeat region; In silico analysis supports a deleterious effect on protein structure/function; Has not been previously published as pathogenic or benign to our knowledge

NM_001394062.1(MACF1):c.588_590del (p.Leu197del)

Gene: MACF1 (microtubule actin crosslinking factor 1; plus strand). Cytogenetic location: 1p34.3.
Variant type: Deletion.
Coding change: c.588_590del on transcript NM_001394062.1 (MANE Select); coding-DNA positions 588 to 590, 3 bases deleted (CCT; older notation c.588_590delCCT).
Protein change: p.Leu197del; deletes leucine 197.
Molecular consequence: inframe deletion.
Genome position (GRCh38, 1-based): chr1:39,282,267-39,282,269, CCT deleted; deleting any 3 consecutive bases within chr1:39,282,265-39,282,269 gives the same sequence; the c. name uses the placement nearest the transcript's 3' end. VCF-style (leftmost placement, unchanged base first): chr1-39282264-ACTC-A. GRCh37 (hg19) VCF-style: chr1-39747936-ACTC-A.
Other names: c.603_605del, p.Leu202del (NM_012090.5); short protein forms L197del, L202del.
Identifiers: ClinVar variation 2662139 (VCV002662139.1), dbSNP rs2523103815, ClinGen allele CA2695197998.
Genomic context (GRCh38, chr1:39,282,264, plus strand): 5'-GCAGATCTCTGACATCTACATTAGTGGAGAATCAGGGGATATGTCAGCCAAGGAGAAACT[ACTC>A]CTGTGGACCCAGAAGGTGACAGCTGGTTACACAGGAATCAAATGCACCAACTTTTCCTCC-3'